The following is an entry in ClinVar:

ClinVar aggregate classification (germline): Benign/Likely benign. Review status: criteria provided, multiple submitters, no conflicts (2 of 4 stars). 9 submissions from 9 submitters: Benign (1); Likely benign (7). 1 of the submissions does not count toward it. Last evaluated 2026-01-21.

Conditions:
Juvenile polyposis syndrome (JPS). Identifiers: Orphanet 2929, MedGen C0345893, MONDO:0017380, OMIM 174900.
Hereditary cancer-predisposing syndrome. Also called: Hereditary neoplastic syndrome; Tumor predisposition; Neoplastic Syndromes, Hereditary; Hereditary Cancer Syndrome. Identifiers: Orphanet 140162, MedGen C0027672, MeSH D009386, MONDO:0015356.

Allele frequency attached by ClinVar (database versions not stated): TOPMed 0.00006.
gnomAD v4.1: 15 of 1,614,050 alleles (0.00093%); highest among the groups gnomAD compares: Admixed American, 0.005%; no homozygotes.

Submissions (9):

Labcorp Genetics (formerly Invitae), Labcorp
Classification: Likely benign for Juvenile polyposis syndrome. Last evaluated: 2026-01-21. Review status: criteria provided, single submitter. Criteria: Invitae Variant Classification Sherloc (09022015). Collection method: clinical testing. Allele origin: germline.

Mayo Clinic Laboratories, Mayo Clinic
Classification: Likely benign. Last evaluated: 2025-08-25. Review status: criteria provided, single submitter. Criteria: ACMG Guidelines, 2015. Collection method: clinical testing. Allele origin: germline. Observed: 1 variant allele.
Comment: BP4, BP7

Quest Diagnostics Nichols Institute San Juan Capistrano
Classification: Likely benign. Last evaluated: 2025-06-05. Review status: criteria provided, single submitter. Criteria: Quest Diagnostics criteria. Collection method: clinical testing. Allele origin: unknown.

Myriad Genetics, Inc.
Classification: Benign for Juvenile polyposis syndrome. Last evaluated: 2024-08-08. Review status: criteria provided, single submitter. Criteria: Myriad Autosomal Dominant, Autosomal Recessive and X-Linked Classification Criteria (2023). Collection method: clinical testing. Allele origin: unknown.
Comment: This variant is considered benign. This variant is a silent/synonymous amino acid change and it is not expected to impact splicing.

All of Us Research Program, National Institutes of Health
Classification: Likely benign for Juvenile polyposis syndrome. Last evaluated: 2024-06-09. Review status: criteria provided, single submitter. Criteria: ACMG Guidelines, 2015. Collection method: clinical testing. Allele origin: germline. Inheritance: Autosomal dominant inheritance. Observed: 1 variant allele, 1 heterozygote.
Comment: This study involves interpretation of variants in research participants for the purpose of population health screening. Participant phenotype was not available at the time of variant classification. Additional details can be found in publication PMID: 35346344, PMCID: PMC8962531

GeneDx
Classification: Likely benign. Last evaluated: 2018-09-11. Review status: criteria provided, single submitter. Criteria: GeneDx Variant Classification Process June 2021. Collection method: clinical testing. Allele origin: germline. Affected: yes.

Color Diagnostics, LLC DBA Color Health
Classification: Likely benign for Hereditary cancer-predisposing syndrome. Last evaluated: 2018-03-09. Review status: criteria provided, single submitter. Criteria: ACMG Guidelines, 2015. Collection method: clinical testing. Allele origin: germline.

Ambry Genetics
Classification: Likely benign for Hereditary cancer-predisposing syndrome. Last evaluated: 2015-10-12. Review status: criteria provided, single submitter. Criteria: Ambry Variant Classification Scheme 2023. Collection method: clinical testing. Allele origin: germline.

True Health Diagnostics
Classification: Likely benign for Hereditary cancer-predisposing syndrome. Last evaluated: 2017-10-10. Review status: no assertion criteria provided. Collection method: clinical testing. Allele origin: germline. Not counted in ClinVar's aggregate classification.

NM_004329.3(BMPR1A):c.1395G>A (p.Pro465=)

Gene: BMPR1A (bone morphogenetic protein receptor type 1A; plus strand). Cytogenetic location: 10q23.2.
Variant type: single nucleotide variant.
Coding change: c.1395G>A on transcript NM_004329.3 (MANE Select); coding-DNA position 1395, G replaced by A.
Protein change: p.Pro465=; no amino-acid change (proline 465 retained).
Molecular consequence: synonymous variant.
Genome position (GRCh38, 1-based): chr10:86,923,428, G>A. VCF-style: chr10-86923428-G-A. GRCh37 (hg19) VCF-style: chr10-88683185-G-A.
Other names: p.Pro465=.
Identifiers: ClinVar variation 379000 (VCV000379000.24), dbSNP rs55845713, ClinGen allele CA5585708.
Genomic context (GRCh38, chr10:86,923,428, plus strand): 5'-CCTTATAGGGATCGTGGAAGAATACCAATTGCCATATTACAACATGGTACCGAGTGATCC[G>A]TCATACGAAGATATGCGTGAGGTTGTGTGTGTCAAACGTTTGCGGCCAATTGTGTCTAAT-3'
Protein context (NP_004320.2, residues 455-475): LPYYNMVPSD[Pro465=]SYEDMREVVC